The following is an entry in ClinVar:

ClinVar aggregate classification (germline): Benign (1 of 4 stars; one submission).

Conditions:
Sick sinus syndrome 2, autosomal dominant (SSS2). Also called: ATRIAL FIBRILLATION WITH BRADYARRHYTHMIA; SINUS BRADYCARDIA SYNDROME, FAMILIAL, AUTOSOMAL DOMINANT; SINUS NODE DISEASE, FAMILIAL, AUTOSOMAL DOMINANT; SICK SINUS SYNDROME 2; SICK SINUS SYNDROME 2 WITH OR WITHOUT CARDIAC NONCOMPACTION AND/OR ASCENDING AORTA DILATION. Identifiers: Orphanet 166282, MedGen C1834144, MONDO:0008102, OMIM 163800.

Allele frequency attached by ClinVar (database versions not stated): gnomAD 0.00002 and 0.00004; TOPMed 0.00003; 1000 Genomes Project 30x 0.00031; 1000 Genomes Project 0.00040.

Submission:

Illumina Laboratory Services, Illumina
Classification: Benign for Sick sinus syndrome 2, autosomal dominant. Last evaluated: 2018-01-13. Review status: criteria provided, single submitter. Criteria: ICSL Variant Classification Criteria 13 December 2019. Collection method: clinical testing. Allele origin: germline.
Comment: This variant was observed in the ICSL laboratory as part of a predisposition screen in an ostensibly healthy population. It had not been previously curated by ICSL or reported in the Human Gene Mutation Database (HGMD: prior to June 1st, 2018), and was therefore a candidate for classification through an automated scoring system. Utilizing variant allele frequency, disease prevalence and penetrance estimates, and inheritance mode, an automated score was calculated to assess if this variant is too frequent to cause the disease. Based on the score and internal cut-off values, a variant classified as benign is not then subjected to further curation. The score for this variant resulted in a classification of benign for this disease.

NM_005477.3(HCN4):c.*844G>A

Gene: HCN4 (hyperpolarization activated cyclic nucleotide gated potassium channel 4; minus strand). Cytogenetic location: 15q24.1.
Variant type: single nucleotide variant.
Coding change: c.*844G>A on transcript NM_005477.3 (MANE Select); 844 bases downstream of the stop codon, G replaced by A.
Molecular consequence: 3 prime UTR variant.
Genome position (GRCh38, 1-based): chr15:73,321,637, C>T on the plus strand (G>A on the coding strand, the complement: HCN4 is on the minus strand). VCF-style: chr15-73321637-C-T. GRCh37 (hg19) VCF-style: chr15-73613978-C-T.
Identifiers: ClinVar variation 887848 (VCV000887848.4), dbSNP rs185261766, ClinGen allele CA272662339.
Genomic context (GRCh38, chr15:73,321,637, plus strand): 5'-GACGGCCCCAGAGGTGGCGGTGTGTGCTTGAGGCCCTAGGAAAGGGGAGTCTTCCACTTC[C>T]GTGTGGTGAGAGGTCAGGCTGGGACTGGCTTTGAGACCAGAGATGGGGAGAGAGGGGGCC-3'